The following is an entry in ClinVar:

ClinVar aggregate classification (germline): Uncertain significance. Review status: criteria provided, multiple submitters, no conflicts (2 of 4 stars). 7 submissions from 7 submitters: Uncertain significance (7). Last evaluated 2025-08-04.

Conditions:
Congenital muscular dystrophy due to integrin alpha-7 deficiency. Also called: Congenital muscular dystrophy with integrin alpha-7 deficiency; Muscular dystrophy, congenital, due to ITGA7 deficiency; MYOPATHY, CONGENITAL, DUE TO INTEGRIN ALPHA-7 DEFICIENCY. Identifiers: Orphanet 34520, MedGen C2750786, MONDO:0013177, OMIM 613204.

Allele frequency attached by ClinVar (database versions not stated): ExAC 0.00005; gnomAD exomes 0.00005 and 0.00008; ESP Exome Variant Server 0.00015; gnomAD 0.00015 and 0.00019; TOPMed 0.00015; 1000 Genomes Project 30x 0.00016; 1000 Genomes Project 0.00020.
gnomAD v4.1: 99 of 1,614,166 alleles (0.0061%); highest among the groups gnomAD compares: Middle Eastern, 0.4%; no homozygotes.

Submissions (7):

Ambry Genetics
Classification: Uncertain significance. Last evaluated: 2025-08-04. Review status: criteria provided, single submitter. Criteria: Ambry Variant Classification Scheme 2023. Collection method: clinical testing. Allele origin: germline.

Revvity Omics, Revvity
Classification: Uncertain significance for Congenital muscular dystrophy due to integrin alpha-7 deficiency. Last evaluated: 2024-09-04. Review status: criteria provided, single submitter. Criteria: ACMG Guidelines, 2015. Collection method: clinical testing. Allele origin: germline.

Labcorp Genetics (formerly Invitae), Labcorp
Classification: Uncertain significance for Congenital muscular dystrophy due to integrin alpha-7 deficiency. Last evaluated: 2022-06-20. Review status: criteria provided, single submitter. Criteria: Invitae Variant Classification Sherloc (09022015). Collection method: clinical testing. Allele origin: germline.
Comment: This sequence change replaces threonine, which is neutral and polar, with methionine, which is neutral and non-polar, at codon 1096 of the ITGA7 protein (p.Thr1096Met). This variant is present in population databases (rs200485048, gnomAD 0.04%). This variant has not been reported in the literature in individuals affected with ITGA7-related conditions. ClinVar contains an entry for this variant (Variation ID: 287906). Algorithms developed to predict the effect of missense changes on protein structure and function are either unavailable or do not agree on the potential impact of this missense change (SIFT: "Deleterious"; PolyPhen-2: "Benign"; Align-GVGD: "Class C0"). In summary, the available evidence is currently insufficient to determine the role of this variant in disease. Therefore, it has been classified as a Variant of Uncertain Significance.

Baylor Genetics
Classification: Uncertain significance for Congenital muscular dystrophy due to integrin alpha-7 deficiency. Last evaluated: 2019-07-11. Review status: criteria provided, single submitter. Criteria: ACMG Guidelines, 2015. Collection method: clinical testing. Allele origin: unknown. Affected: yes.
Comment: This variant was determined to be of uncertain significance according to ACMG Guidelines, 2015 [PMID:25741868].

Mayo Clinic Laboratories, Mayo Clinic
Classification: Uncertain significance for Congenital muscular dystrophy due to integrin alpha-7 deficiency. Last evaluated: 2017-03-10. Review status: criteria provided, single submitter. Criteria: ACMG Guidelines, 2015. Collection method: clinical testing. Allele origin: maternal.

Eurofins Ntd Llc (ga)
Classification: Uncertain significance. Last evaluated: 2016-06-20. Review status: criteria provided, single submitter. Criteria: EGL Classification Definitions 2015. Collection method: clinical testing. Allele origin: germline. Observed: 2 variant alleles, 2 heterozygotes.

Breakthrough Genomics
Classification: Uncertain significance. Review status: criteria provided, single submitter. Criteria: ACMG Guidelines, 2015. Collection method: not provided. Allele origin: germline. Inheritance: Autosomal recessive inheritance. Affected: yes.

NM_002206.3(ITGA7):c.3287C>T (p.Thr1096Met)

Gene: ITGA7 (integrin subunit alpha 7; minus strand). Cytogenetic location: 12q13.2.
Variant type: single nucleotide variant.
Coding change: c.3287C>T on transcript NM_002206.3 (MANE Select); coding-DNA position 3287, C replaced by T.
Protein change: p.Thr1096Met; replaces threonine 1096 with methionine.
Molecular consequence: missense variant.
Genome position (GRCh38, 1-based): chr12:55,685,185, G>A on the plus strand (C>T on the coding strand, the complement: ITGA7 is on the minus strand). VCF-style: chr12-55685185-G-A. GRCh37 (hg19) VCF-style: chr12-56078969-G-A.
Other names: c.3299C>T, p.Thr1100Met (NM_001144996.2); c.3008C>T, p.Thr1003Met (NM_001144997.2); c.2960C>T, p.Thr987Met (NM_001367993.1); c.1943C>T, p.Thr648Met (NM_001367994.1); c.3269C>T, p.Thr1090Met (NM_001374465.1); c.3419C>T, p.Thr1140Met (NM_001410977.1); c.3281C>T, p.Thr1094Met (NM_001414029.1); c.3212C>T, p.Thr1071Met (NM_001414030.1); and 5 more; short protein forms T1003M, T1096M, T1100M, T648M, T987M, T1090M, T1140M, T1067M.
Identifiers: ClinVar variation 287906 (VCV000287906.20), dbSNP rs200485048, ClinGen allele CA6615253.
Genomic context (GRCh38, chr12:55,685,185, plus strand): 5'-GGGTGTGCATCCGGGCCCTCCCGCCGGGGGCTGCCCCAGTTGTTCCTCAGGATGGTGCCC[G>A]TCTTCTCCTCCTTGAACTGCTGTCGGTCTTCCCGAGGAATCTTCACCGCATGGTACTGGG-3'
Protein context (NP_002197.2, residues 1086-1106): EDRQQFKEEK[Thr1096Met]GTILRNNWGS